The following is an entry in ClinVar:

ClinVar aggregate classification (germline): Uncertain significance (1 of 4 stars; one submission).

Conditions:
Arrhythmogenic right ventricular dysplasia 5. Also called: Arrhythmogenic Right Ventricular Dysplasia/Cardiomyopathy 5; ARRHYTHMOGENIC RIGHT VENTRICULAR DYSPLASIA, FAMILIAL, 5. Identifiers: MedGen C1858379, MONDO:0011459, OMIM 604400.

Submission:

Labcorp Genetics (formerly Invitae), Labcorp
Classification: Uncertain significance for Arrhythmogenic right ventricular dysplasia 5. Last evaluated: 2021-05-31. Review status: criteria provided, single submitter. Criteria: Invitae Variant Classification Sherloc (09022015). Collection method: clinical testing. Allele origin: germline.
Comment: This variant is not present in population databases (ExAC no frequency). This variant has not been reported in the literature in individuals with TMEM43-related conditions. Algorithms developed to predict the effect of missense changes on protein structure and function (SIFT, PolyPhen-2, Align-GVGD) all suggest that this variant is likely to be tolerated, but these predictions have not been confirmed by published functional studies and their clinical significance is uncertain. In summary, the available evidence is currently insufficient to determine the role of this variant in disease. Therefore, it has been classified as a Variant of Uncertain Significance. This sequence change replaces isoleucine with valine at codon 346 of the TMEM43 protein (p.Ile346Val). The isoleucine residue is moderately conserved and there is a small physicochemical difference between isoleucine and valine.

NM_024334.3(TMEM43):c.1036A>G (p.Ile346Val)

Gene: TMEM43 (transmembrane protein 43; plus strand). Cytogenetic location: 3p25.1.
Variant type: single nucleotide variant.
Coding change: c.1036A>G on transcript NM_024334.3 (MANE Select); coding-DNA position 1036, A replaced by G.
Protein change: p.Ile346Val; replaces isoleucine 346 with valine.
Molecular consequence: missense variant.
Genome position (GRCh38, 1-based): chr3:14,141,628, A>G. VCF-style: chr3-14141628-A-G. GRCh37 (hg19) VCF-style: chr3-14183128-A-G.
Other names: short protein forms I346V.
Identifiers: ClinVar variation 1348000 (VCV001348000.8), dbSNP rs2124997196, ClinGen allele CA351536413.